The following is an entry in ClinVar:

ClinVar aggregate classification (germline): Uncertain significance (1 of 4 stars; one submission).

Submission:

Ambry Genetics
Classification: Uncertain significance. Last evaluated: 2025-11-15. Review status: criteria provided, single submitter. Criteria: Ambry Variant Classification Scheme 2023. Collection method: clinical testing. Allele origin: germline.
Comment: The p.F40S variant (also known as c.119T>C), located in coding exon 1 of the EGLN1 gene, results from a T to C substitution at nucleotide position 119. The phenylalanine at codon 40 is replaced by serine, an amino acid with highly dissimilar properties. This amino acid position is conserved. In addition, the in silico prediction for this alteration is inconclusive. Based on the available evidence, the clinical significance of this variant remains unclear.

NM_022051.3(EGLN1):c.119T>C (p.Phe40Ser)

Gene: EGLN1 (egl-9 family hypoxia inducible factor 1; minus strand). Cytogenetic location: 1q42.2.
Variant type: single nucleotide variant.
Coding change: c.119T>C on transcript NM_022051.3 (MANE Select); coding-DNA position 119, T replaced by C.
Protein change: p.Phe40Ser; replaces phenylalanine 40 with serine.
Molecular consequence: missense variant.
Genome position (GRCh38, 1-based): chr1:231,421,770, A>G on the plus strand (T>C on the coding strand, the complement: EGLN1 is on the minus strand). VCF-style: chr1-231421770-A-G. GRCh37 (hg19) VCF-style: chr1-231557516-A-G.
Other names: c.119T>C, p.Phe40Ser (NM_001377260.1, NM_001377261.1); short protein forms F40S.
Identifiers: ClinVar variation 4663396 (VCV004663396.1).